The following is an entry in ClinVar:

NM_000038.6(APC):c.4736T>G (p.Ile1579Ser)

Gene: APC (APC regulator of Wnt signaling pathway; plus strand). Cytogenetic location: 5q22.2.
Variant type: single nucleotide variant.
Coding change: c.4736T>G on transcript NM_000038.6 (MANE Select); coding-DNA position 4736, T replaced by G.
Protein change: p.Ile1579Ser; replaces isoleucine 1579 with serine.
Molecular consequence: missense variant.
Genome position (GRCh38, 1-based): chr5:112,840,330, T>G. VCF-style: chr5-112840330-T-G. GRCh37 (hg19) VCF-style: chr5-112176027-T-G.
Other names: c.4736T>G, p.Ile1579Ser (NM_001127510.3, NM_001354895.2); c.4682T>G, p.Ile1561Ser (NM_001127511.3); c.4790T>G, p.Ile1597Ser (NM_001354896.2); c.4766T>G, p.Ile1589Ser (NM_001354897.2); c.4661T>G, p.Ile1554Ser (NM_001354898.2); c.4652T>G, p.Ile1551Ser (NM_001354899.2); c.4613T>G, p.Ile1538Ser (NM_001354900.2); c.4559T>G, p.Ile1520Ser (NM_001354901.2); and 5 more; short protein forms I1551S, I1589S, I1296S, I1538S, I1419S, I1453S, I1478S, I1554S.
Identifiers: ClinVar variation 825134 (VCV000825134.12), dbSNP rs1580651915, ClinGen allele CA16031720.
Genomic context (GRCh38, chr5:112,840,330, plus strand): 5'-CTGAAAAGGACCTATTAGATGATTCAGATGATGATGATATTGAAATACTAGAAGAATGTA[T>G]TATTTCTGCCATGCCAACAAAGTCATCACGTAAAGCAAAAAAGCCAGCCCAGACTGCTTC-3'
Protein context (NP_000029.2, residues 1569-1589): DDDIEILEEC[Ile1579Ser]ISAMPTKSSR

ClinVar aggregate classification (germline): Uncertain significance. Review status: criteria provided, multiple submitters, no conflicts (2 of 4 stars). 2 submissions from 2 submitters: Uncertain significance (2). Last evaluated 2021-05-30.

Conditions:
Hereditary cancer-predisposing syndrome. Also called: Neoplastic Syndromes, Hereditary; Tumor predisposition; Hereditary neoplastic syndrome; Hereditary Cancer Syndrome. Identifiers: Orphanet 140162, MedGen C0027672, MeSH D009386, MONDO:0015356.
Familial adenomatous polyposis 1 (FAP1). Also called: POLYPOSIS, ADENOMATOUS INTESTINAL; FAMILIAL ADENOMATOUS POLYPOSIS 1, ATTENUATED. Identifiers: MedGen C2713442, MONDO:0021056, OMIM 175100. Disease mechanism: loss of function.

Submissions (2):

Labcorp Genetics (formerly Invitae), Labcorp
Classification: Uncertain significance for Familial adenomatous polyposis 1. Last evaluated: 2021-05-30. Review status: criteria provided, single submitter. Criteria: Invitae Variant Classification Sherloc (09022015). Collection method: clinical testing. Allele origin: germline.
Comment: In summary, the available evidence is currently insufficient to determine the role of this variant in disease. Therefore, it has been classified as a Variant of Uncertain Significance. Algorithms developed to predict the effect of missense changes on protein structure and function (SIFT, PolyPhen-2, Align-GVGD) all suggest that this variant is likely to be disruptive, but these predictions have not been confirmed by published functional studies and their clinical significance is uncertain. This variant has not been reported in the literature in individuals with APC-related conditions. ClinVar contains an entry for this variant (Variation ID: 825134). This variant is not present in population databases (ExAC no frequency). This sequence change replaces isoleucine with serine at codon 1579 of the APC protein (p.Ile1579Ser). The isoleucine residue is highly conserved and there is a large physicochemical difference between isoleucine and serine.

Ambry Genetics
Classification: Uncertain significance for Hereditary cancer-predisposing syndrome. Last evaluated: 2018-05-03. Review status: criteria provided, single submitter. Criteria: Ambry Variant Classification Scheme 2023. Collection method: clinical testing. Allele origin: germline.
Comment: The p.I1579S variant (also known as c.4736T>G), located in coding exon 15 of the APC gene, results from a T to G substitution at nucleotide position 4736. The isoleucine at codon 1579 is replaced by serine, an amino acid with dissimilar properties. This amino acid position is highly conserved in available vertebrate species. In addition, in silico predictors for this gene do not accurately predict pathogenicity. Since supporting evidence is limited at this time, the clinical significance of this alteration remains unclear.